The following is an entry in ClinVar:

NM_012092.4(ICOS):c.*1773G>C

Gene: ICOS (inducible T cell costimulator; plus strand). Cytogenetic location: 2q33.2.
Variant type: single nucleotide variant.
Coding change: c.*1773G>C on transcript NM_012092.4 (MANE Select); 1773 bases downstream of the stop codon, G replaced by C.
Molecular consequence: 3 prime UTR variant.
Genome position (GRCh38, 1-based): chr2:203,961,372, G>C. VCF-style: chr2-203961372-G-C. GRCh37 (hg19) VCF-style: chr2-204826095-G-C.
Identifiers: ClinVar variation 333760 (VCV000333760.8), dbSNP rs4675379, ClinGen allele CA10613949.

ClinVar aggregate classification (germline): Benign. Review status: criteria provided, multiple submitters, no conflicts (2 of 4 stars). 3 submissions from 3 submitters: Benign (3). Last evaluated 2020-02-18.

Conditions:
Immunodeficiency, common variable, 1. Also called: ANTIBODY DEFICIENCY DUE TO ICOS DEFECT. Identifiers: Orphanet 1572, Orphanet 695183, MedGen C3149378, MONDO:0011864, OMIM 607594.

Allele frequency attached by ClinVar (database versions not stated): gnomAD 0.14872 and 0.15348; 1000 Genomes Project 0.18710; 1000 Genomes Project 30x 0.18707; gnomAD exomes 0.12417; TOPMed 0.15405.
gnomAD v4.1: 26,137 of 174,490 alleles (15%); highest among the groups gnomAD compares: South Asian, 28%; 2,068 homozygotes.

Submissions (3):

GeneDx
Classification: Benign. Last evaluated: 2020-02-18. Review status: criteria provided, single submitter. Criteria: GeneDx Variant Classification Process June 2021. Collection method: clinical testing. Allele origin: germline. Affected: yes.
Comment: This variant is associated with the following publications: (PMID: 25497975)

Illumina Laboratory Services, Illumina
Classification: Benign for Immunodeficiency, common variable, 1. Last evaluated: 2018-01-13. Review status: criteria provided, single submitter. Criteria: ICSL Variant Classification Criteria 13 December 2019. Collection method: clinical testing. Allele origin: germline.
Comment: This variant was observed in the ICSL laboratory as part of a predisposition screen in an ostensibly healthy population. It had not been previously curated by ICSL or reported in the Human Gene Mutation Database (HGMD: prior to June 1st, 2018), and was therefore a candidate for classification through an automated scoring system. Utilizing variant allele frequency, disease prevalence and penetrance estimates, and inheritance mode, an automated score was calculated to assess if this variant is too frequent to cause the disease. Based on the score and internal cut-off values, a variant classified as benign is not then subjected to further curation. The score for this variant resulted in a classification of benign for this disease.

Breakthrough Genomics
Classification: Benign. Review status: criteria provided, single submitter. Criteria: ACMG Guidelines, 2015. Collection method: not provided. Allele origin: germline. Inheritance: Autosomal recessive inheritance. Affected: yes.